The following is an entry in ClinVar:

ClinVar aggregate classification (germline): Conflicting classifications of pathogenicity. Review status: criteria provided, conflicting classifications (1 of 4 stars). 3 submissions from 3 submitters: Uncertain significance (2); Likely benign (1). Last evaluated 2025-12-22.

Conditions:
Tumor predisposition syndrome 3 (TPDS3). Also called: Melanoma, cutaneous malignant, susceptibility to, 10; LONG TELOMERE SYNDROME, POT1-RELATED; POT1 Tumor Predisposition; Glioma susceptibility 9. Identifiers: Orphanet 618, MedGen C4014476, MONDO:0014368, OMIM 615848.

Allele frequency attached by ClinVar (database versions not stated): TOPMed 0.00003; gnomAD 0.00009.
gnomAD v4.1: 71 of 1,450,492 alleles (0.0049%); highest among the groups gnomAD compares: Non-Finnish European, 0.0061%; no homozygotes.

Submissions (4):

Labcorp Genetics (formerly Invitae), Labcorp
Classification: Likely benign for Tumor predisposition syndrome 3. Last evaluated: 2025-12-22. Review status: criteria provided, single submitter. Criteria: Invitae Variant Classification Sherloc (09022015). Collection method: clinical testing. Allele origin: germline.

Center for Genomic Medicine, Rigshospitalet, Copenhagen University Hospital
Classification: Uncertain significance. Last evaluated: 2025-03-04. Review status: criteria provided, single submitter. Criteria: ACMG Guidelines, 2015. Collection method: clinical testing. Allele origin: germline.

GeneDx
Classification: Uncertain significance. Last evaluated: 2022-01-10. Review status: criteria provided, single submitter. Criteria: GeneDx Variant Classification Process June 2021. Collection method: clinical testing. Allele origin: germline. Affected: yes.
Comment: Nucleotide substitution is not conserved across species; In silico analysis, which includes splice predictors and evolutionary conservation, suggests this variant may impact gene splicing. In the absence of RNA/functional studies, the actual effect of this sequence change is unknown.; Has not been previously published as pathogenic or benign to our knowledge

Dr. Peter K. Rogan Lab, Western University
No classification provided (evidence only). Condition: Familial cancer of breast. Review status: no classification provided. Collection method: in vitro. Allele origin: not applicable. Functional consequence: retained intron. Not counted in ClinVar's aggregate classification.

NM_015450.3(POT1):c.9+6A>G

Gene: POT1 (protection of telomeres 1; minus strand). Cytogenetic location: 7q31.33.
Variant type: single nucleotide variant.
Coding change: c.9+6A>G on transcript NM_015450.3 (MANE Select); 6 bases into the intron after coding-DNA position 9, A replaced by G.
Molecular consequence: intron variant.
Genome position (GRCh38, 1-based): chr7:124,897,159, T>C on the plus strand (A>G on the coding strand, the complement: POT1 is on the minus strand). VCF-style: chr7-124897159-T-C. GRCh37 (hg19) VCF-style: chr7-124537213-T-C.
Other names: c.-254+6A>G (NM_001042594.2).
Identifiers: ClinVar variation 514887 (VCV000514887.20), dbSNP rs750242979, ClinGen allele CA4465541.